The following is an entry in ClinVar:

NM_138691.3(TMC1):c.1166G>A (p.Arg389Gln)

Gene: TMC1 (transmembrane channel like 1; plus strand). Cytogenetic location: 9q21.13.
Variant type: single nucleotide variant.
Coding change: c.1166G>A on transcript NM_138691.3 (MANE Select); coding-DNA position 1166, G replaced by A.
Protein change: p.Arg389Gln; replaces arginine 389 with glutamine.
Molecular consequence: missense variant.
Genome position (GRCh38, 1-based): chr9:72,789,259, G>A. VCF-style: chr9-72789259-G-A. GRCh37 (hg19) VCF-style: chr9-75404175-G-A.
Other names: short protein forms R389Q.
Identifiers: ClinVar variation 2735280 (VCV002735280.7), dbSNP rs772640673, ClinGen allele CA5081885.

ClinVar aggregate classification (germline): Pathogenic/Likely pathogenic. Review status: criteria provided, multiple submitters, no conflicts (2 of 4 stars). 3 submissions from 3 submitters: Pathogenic (2); Likely pathogenic (1). Last evaluated 2025-12-30.

Conditions:
Nonsyndromic genetic hearing loss. Also called: Non-syndromic genetic deafness; Nonsyndromic genetic deafness; Nonsyndromic hearing loss and deafness. Identifiers: Orphanet 87884, MedGen C5680182, MONDO:0019497.
Autosomal recessive nonsyndromic hearing loss 7. Also called: DEAFNESS, AUTOSOMAL RECESSIVE 11. Identifiers: Orphanet 90636, MedGen C1832978, MONDO:0010967, OMIM 600974.
Autosomal dominant nonsyndromic hearing loss 36. Identifiers: Orphanet 90635, MedGen C1847626, MONDO:0011708, OMIM 606705.

Allele frequency attached by ClinVar (database versions not stated): TOPMed 0.00001; ExAC 0.00002; gnomAD 0.00002.

Submissions (3):

Labcorp Genetics (formerly Invitae), Labcorp
Classification: Pathogenic. Last evaluated: 2025-12-30. Review status: criteria provided, single submitter. Criteria: Invitae Variant Classification Sherloc (09022015). Collection method: clinical testing. Allele origin: germline.
Comment: This sequence change replaces arginine, which is basic and polar, with glutamine, which is neutral and polar, at codon 389 of the TMC1 protein (p.Arg389Gln). This variant is present in population databases (rs772640673, gnomAD 0.009%). This missense change has been observed in individuals with autosomal recessive deafness (PMID: 18616530, 26879195). It has also been observed to segregate with disease in related individuals. ClinVar contains an entry for this variant (Variation ID: 2735280). Invitae Evidence Modeling of protein sequence and biophysical properties (such as structural, functional, and spatial information, amino acid conservation, physicochemical variation, residue mobility, and thermodynamic stability) has been performed for this missense variant. However, the output from this modeling did not meet the statistical confidence thresholds required to predict the impact of this variant on TMC1 protein function. For these reasons, this variant has been classified as Pathogenic.

Women's Health and Genetics/Laboratory Corporation of America, LabCorp
Classification: Pathogenic for Nonsyndromic genetic hearing loss. Last evaluated: 2024-03-18. Review status: criteria provided, single submitter. Criteria: LabCorp Variant Classification Summary - May 2015. Collection method: clinical testing. Allele origin: germline.
Comment: Variant summary: TMC1 c.1166G>A (p.Arg389Gln) results in a conservative amino acid change in the encoded protein sequence. Three of five in-silico tools predict a damaging effect of the variant on protein function. The variant allele was found at a frequency of 1.2e-05 in 251362 control chromosomes. c.1166G>A has been reported in the literature in multiple individuals affected with Nonsyndromic Hearing Loss And Deafness, Type 7 (Imtiaz_2016, Hilgert_2008) and shown to segregate with disease. These data indicate that the variant is very likely to be associated with disease. To our knowledge, no experimental evidence demonstrating an impact on protein function has been reported. The following publications have been ascertained in the context of this evaluation (PMID: 18616530, 26879195). ClinVar contains an entry for this variant (Variation ID: 2735280). Based on the evidence outlined above, the variant was classified as pathogenic.

Fulgent Genetics
Classification: Likely pathogenic for Autosomal recessive nonsyndromic hearing loss 7; Autosomal dominant nonsyndromic hearing loss 36. Last evaluated: 2024-03-12. Review status: criteria provided, single submitter. Criteria: ACMG Guidelines, 2015. Collection method: clinical testing. Allele origin: germline.

Literature cited by the submitters: PubMed 18616530 (cited by Labcorp Genetics (formerly Invitae), Labcorp and Women's Health and Genetics/Laboratory Corporation of America, LabCorp); PubMed 26879195 (cited by Labcorp Genetics (formerly Invitae), Labcorp and Women's Health and Genetics/Laboratory Corporation of America, LabCorp).